The following is an entry in ClinVar:

ClinVar aggregate classification (germline): Uncertain significance (1 of 4 stars; one submission).

Conditions:
Charcot-Marie-Tooth disease type 2. Also called: Charcot-Marie-Tooth type 2. Identifiers: Orphanet 64746, MedGen C0270914, MONDO:0018993.

gnomAD v4.1: 3 of 1,613,930 alleles (0.00019%); highest among the groups gnomAD compares: Non-Finnish European, 0.00025%; no homozygotes.

Submission:

Labcorp Genetics (formerly Invitae), Labcorp
Classification: Uncertain significance for Charcot-Marie-Tooth disease type 2. Last evaluated: 2024-04-02. Review status: criteria provided, single submitter. Criteria: Invitae Variant Classification Sherloc (09022015). Collection method: clinical testing. Allele origin: germline.
Comment: This sequence change replaces glycine, which is neutral and non-polar, with glutamic acid, which is acidic and polar, at codon 160 of the AARS protein (p.Gly160Glu). This variant also falls at the last nucleotide of exon 4, which is part of the consensus splice site for this exon. This variant is not present in population databases (gnomAD no frequency). This variant has not been reported in the literature in individuals affected with AARS-related conditions. An algorithm developed to predict the effect of missense changes on protein structure and function (PolyPhen-2) suggests that this variant is likely to be disruptive. Variants that disrupt the consensus splice site are a relatively common cause of aberrant splicing (PMID: 17576681, 9536098). Algorithms developed to predict the effect of sequence changes on RNA splicing suggest that this variant may disrupt the consensus splice site. In summary, the available evidence is currently insufficient to determine the role of this variant in disease. Therefore, it has been classified as a Variant of Uncertain Significance.

Literature cited by the submitters: PubMed 17576681; PubMed 9536098.

NM_001605.3(AARS1):c.479G>A (p.Gly160Glu)

Gene: AARS1 (alanyl-tRNA synthetase 1; minus strand). Cytogenetic location: 16q22.1.
Variant type: single nucleotide variant.
Coding change: c.479G>A on transcript NM_001605.3 (MANE Select); coding-DNA position 479, G replaced by A.
Protein change: p.Gly160Glu; replaces glycine 160 with glutamic acid.
Molecular consequence: missense variant.
Genome position (GRCh38, 1-based): chr16:70,276,486, C>T on the plus strand (G>A on the coding strand, the complement: AARS1 is on the minus strand). VCF-style: chr16-70276486-C-T. GRCh37 (hg19) VCF-style: chr16-70310389-C-T.
Other names: short protein forms G160E.
Identifiers: ClinVar variation 3703245 (VCV003703245.2).